The following is an entry in ClinVar:

NM_000152.5(GAA):c.1696T>C (p.Ser566Pro)

Gene: GAA (alpha glucosidase; plus strand). Cytogenetic location: 17q25.3.
Variant type: single nucleotide variant.
Coding change: c.1696T>C on transcript NM_000152.5 (MANE Select); coding-DNA position 1696, T replaced by C.
Protein change: p.Ser566Pro; replaces serine 566 with proline.
Molecular consequence: missense variant.
Genome position (GRCh38, 1-based): chr17:80,112,042, T>C. VCF-style: chr17-80112042-T-C. GRCh37 (hg19) VCF-style: chr17-78085841-T-C.
Other names: c.1696T>C, p.Ser566Pro (NM_001079803.3, NM_001079804.3, NM_001406741.1 and 1 more transcripts); short protein forms S566P.
Identifiers: ClinVar variation 4876257 (VCV004876257.1).
Genomic context (GRCh38, chr17:80,112,042, plus strand): 5'-GGGGTGGTTGGGGGGACCCTCCAGGCGGCCACCATCTGTGCCTCCAGCCACCAGTTTCTC[T>C]CCACACACTACAACCTGCACAACCTCTACGGCCTGACCGAAGCCATCGCCTCCCACAGGT-3'
Protein context (NP_000143.2, residues 556-576): TICASSHQFL[Ser566Pro]THYNLHNLYG

ClinVar aggregate classification (germline): Likely pathogenic (1 of 4 stars; one submission).

Conditions:
Glycogen storage disease, type II (IOPD). Also called: Pompe Disease; CARDIOMEGALIA GLYCOGENICA DIFFUSA; GLYCOGENOSIS, GENERALIZED, CARDIAC FORM; GSD II; POMPE DISEASE, INFANTILE-ONSET; GLYCOGEN STORAGE DISEASE II, INFANTILE-ONSET. Identifiers: Orphanet 365, MedGen C0017921, MONDO:0009290, OMIM 232300.

Submission:

Genomenon, Inc
Classification: Likely pathogenic for Glycogen storage disease, type II. Last evaluated: 2026-07-01. Review status: criteria provided, single submitter. Criteria: Genomenon Sequence Variant Interpretation Standards - Updated. Collection method: curation. Allele origin: germline. Affected: yes.
Comment: GAA p.Ser566Pro (c.1696T>C) is a missense variant that changes the amino acid at codon 566 from Serine to Proline. This variant has been observed in at least one proband with a GAA-related disorder in the compound heterozygous and/or homozygous state (PMID:27896132;9521422). At least one functional study has demonstrated a substantial alteration in protein function relative to the wild-type (PMID:19862843;9521422). It is absent or not present at a significant frequency in gnomAD. In silico models predict that this variant is possibly or probably damaging. In conclusion, we classify GAA p.Ser566Pro (c.1696T>C) as a likely pathogenic variant.

Literature cited by the submitters: PubMed 27896132; PubMed 9521422; PubMed 19862843.